The following is an entry in ClinVar:

ClinVar aggregate classification (germline): Uncertain significance (1 of 4 stars; one submission).

Conditions:
Familial thoracic aortic aneurysm and aortic dissection (TAAD). Also called: Thoracic aortic aneurysms and dissections. Identifiers: Orphanet 91387, MedGen C4707243, MONDO:0019625.

Submission:

Labcorp Genetics (formerly Invitae), Labcorp
Classification: Uncertain significance for Familial thoracic aortic aneurysm and aortic dissection. Last evaluated: 2023-08-30. Review status: criteria provided, single submitter. Criteria: Invitae Variant Classification Sherloc (09022015). Collection method: clinical testing. Allele origin: germline.
Comment: ClinVar contains an entry for this variant (Variation ID: 1015265). This variant has been observed in individual(s) with aortic dilation (Invitae). This variant is not present in population databases (gnomAD no frequency). This variant, c.1228_1229ins18, is a complex sequence change that results in the deletion of 1 and insertion of 7 amino acid(s) in the SMAD3 protein (p.Val410delins7). Experimental studies and prediction algorithms are not available or were not evaluated, and the functional significance of this variant is currently unknown. In summary, the available evidence is currently insufficient to determine the role of this variant in disease. Therefore, it has been classified as a Variant of Uncertain Significance. This variant disrupts a region of the SMAD3 protein in which other variant(s) (p.Val410Phe) have been observed in individuals with SMAD3-related conditions (PMID: 30661052). This suggests that this is a clinically significant region of the protein, and that variants that disrupt it are likely to be disease-causing.

Literature cited by the submitters: PubMed 30661052.

NM_005902.4(SMAD3):c.1228_1229insATGGCCTTTGCAGTGCCA (p.Val410delinsAspGlyLeuCysSerAlaIle)

Gene: SMAD3 (SMAD family member 3; plus strand). Cytogenetic location: 15q22.33.
Variant type: Insertion.
Coding change: c.1228_1229insATGGCCTTTGCAGTGCCA on transcript NM_005902.4 (MANE Select); coding-DNA positions 1228 to 1229, ATGGCCTTTGCAGTGCCA inserted.
Protein change: p.Val410delinsAspGlyLeuCysSerAlaIle.
Molecular consequence: inframe indel.
Genome position: GRCh38 VCF-style: chr15-67190486-G-GATGGCCTTTGCAGTGCCA. GRCh37 (hg19) VCF-style: chr15-67482824-G-GATGGCCTTTGCAGTGCCA.
Other names: c.913_914insATGGCCTTTGCAGTGCCA, p.Val305delinsAspGlyLeuCysSerAlaIle (NM_001145102.2); c.1096_1097insATGGCCTTTGCAGTGCCA, p.Val366delinsAspGlyLeuCysSerAlaIle (NM_001145103.2); c.643_644insATGGCCTTTGCAGTGCCA, p.Val215delinsAspGlyLeuCysSerAlaIle (NM_001145104.2).
Identifiers: ClinVar variation 1015265 (VCV001015265.8), dbSNP rs1963333453, ClinGen allele CA2184422291.
Genomic context (GRCh38, chr15:67,190,486, plus strand): 5'-ACCAGTACCCCCTGCTGGATTGAGCTGCACCTGAATGGGCCTTTGCAGTGGCTTGACAAG[G>GATGGCCTTTGCAGTGCCA]TCCTCACCCAGATGGGCTCCCCAAGCATCCGCTGTTCCAGTGTGTCTTAGAGACATCAAG-3'